The following is an entry in ClinVar:

ClinVar aggregate classification (germline): Conflicting classifications of pathogenicity. Review status: criteria provided, conflicting classifications (1 of 4 stars). 5 submissions from 5 submitters: Uncertain significance (1); Likely benign (4). Last evaluated 2025-12-29.

Conditions:
Cardiomyopathy (CMYO). Also called: Cardiomyopathies. Identifiers: Orphanet 167848, MedGen C0878544, MONDO:0004994, HP:0001638. Inheritance: Various modes of inheritance.
Hypertrophic cardiomyopathy 10. Also called: MYL2-Related Familial Hypertrophic Cardiomyopathy; CARDIOMYOPATHY, HYPERTROPHIC, MID-LEFT VENTRICULAR CHAMBER TYPE, 2. Identifiers: MedGen C1834460, MONDO:0012112, OMIM 608758.
Hypertrophic cardiomyopathy. Also called: HYPERTROPHIC MYOCARDIOPATHY. Identifiers: Orphanet 217569, MedGen C0007194, MeSH D002312, MONDO:0005045, HP:0001639.

Allele frequency attached by ClinVar (database versions not stated): gnomAD below 0.00001 and 0.00001; gnomAD exomes 0.00008; ExAC 0.00011; 1000 Genomes Project 30x 0.00016; 1000 Genomes Project 0.00020.
gnomAD v4.1: 34 of 1,614,084 alleles (0.0021%); highest among the groups gnomAD compares: South Asian, 0.03%; no homozygotes.

Submissions (5):

Labcorp Genetics (formerly Invitae), Labcorp
Classification: Uncertain significance for Hypertrophic cardiomyopathy 10. Last evaluated: 2025-12-29. Review status: criteria provided, single submitter. Criteria: Invitae Variant Classification Sherloc (09022015). Collection method: clinical testing. Allele origin: germline.
Comment: This sequence change falls in intron 2 of the MYL2 gene. It does not directly change the encoded amino acid sequence of the MYL2 protein. It affects a nucleotide within the consensus splice site. This variant is present in population databases (rs112865045, gnomAD 0.07%). This variant has not been reported in the literature in individuals affected with MYL2-related conditions. ClinVar contains an entry for this variant (Variation ID: 626523). Variants that disrupt the consensus splice site are a relatively common cause of aberrant splicing (PMID: 17576681, 9536098). Algorithms developed to predict the effect of sequence changes on RNA splicing suggest that this variant is not likely to affect RNA splicing. In summary, the available evidence is currently insufficient to determine the role of this variant in disease. Therefore, it has been classified as a Variant of Uncertain Significance.

Blueprint Genetics
Classification: Likely benign. Last evaluated: 2024-10-24. Review status: criteria provided, single submitter. Criteria: ACMG Guidelines, 2015. Collection method: clinical testing. Allele origin: germline.

All of Us Research Program, National Institutes of Health
Classification: Likely benign for Hypertrophic cardiomyopathy. Last evaluated: 2024-06-09. Review status: criteria provided, single submitter. Criteria: ACMG Guidelines, 2015. Collection method: clinical testing. Allele origin: germline. Inheritance: Autosomal dominant inheritance. Observed: 1 variant allele, 1 heterozygote.
Comment: This study involves interpretation of variants in research participants for the purpose of population health screening. Participant phenotype was not available at the time of variant classification. Additional details can be found in publication PMID: 35346344, PMCID: PMC8962531

CHEO Genetics Diagnostic Laboratory, Children's Hospital of Eastern Ontario
Classification: Likely benign for Cardiomyopathy. Last evaluated: 2022-02-03. Review status: criteria provided, single submitter. Criteria: ACMG Guidelines, 2015. Collection method: clinical testing. Allele origin: germline. Study: Canadian Open Genetics Repository.

Color Diagnostics, LLC DBA Color Health
Classification: Likely benign for Cardiomyopathy. Last evaluated: 2018-10-26. Review status: criteria provided, single submitter. Criteria: ACMG Guidelines, 2015. Collection method: clinical testing. Allele origin: germline.

Literature cited by the submitters: PubMed 17576681 (cited by Labcorp Genetics (formerly Invitae), Labcorp); PubMed 9536098 (cited by Labcorp Genetics (formerly Invitae), Labcorp).

NM_000432.4(MYL2):c.94-3C>T

Gene: MYL2 (myosin light chain 2; minus strand). Cytogenetic location: 12q24.11.
Variant type: single nucleotide variant.
Coding change: c.94-3C>T on transcript NM_000432.4 (MANE Select); 3 bases into the intron before coding-DNA position 94, C replaced by T.
Molecular consequence: intron variant.
Genome position (GRCh38, 1-based): chr12:110,915,793, G>A on the plus strand (C>T on the coding strand, the complement: MYL2 is on the minus strand). VCF-style: chr12-110915793-G-A. GRCh37 (hg19) VCF-style: chr12-111353597-G-A.
Identifiers: ClinVar variation 626523 (VCV000626523.13), dbSNP rs112865045, ClinGen allele CA043790.